The following is an entry in ClinVar:

NM_001048174.2(MUTYH):c.1238A>C (p.Glu413Ala)

Gene: MUTYH (mutY DNA glycosylase; minus strand). Cytogenetic location: 1p34.1.
Variant type: single nucleotide variant.
Coding change: c.1238A>C on transcript NM_001048174.2 (MANE Select); coding-DNA position 1238, A replaced by C.
Protein change: p.Glu413Ala; replaces glutamic acid 413 with alanine.
Molecular consequence: missense variant. On other transcripts: non-coding transcript variant (7).
Genome position (GRCh38, 1-based): chr1:45,331,421, T>G on the plus strand (A>C on the coding strand, the complement: MUTYH is on the minus strand). VCF-style: chr1-45331421-T-G. GRCh37 (hg19) VCF-style: chr1-45797093-T-G.
Other names: c.1238A>C, p.Glu413Ala (NM_001048171.2, NM_001048173.2, NM_001293195.2 and 6 more transcripts); c.1241A>C, p.Glu414Ala (NM_001048172.2, NM_001407071.1, NM_001407078.1 and 1 more transcripts); c.1322A>C, p.Glu441Ala (NM_001128425.2); c.1283A>C, p.Glu428Ala (NM_001293190.2); c.1271A>C, p.Glu424Ala (NM_001293191.2, NM_001407069.1, NM_001407077.1); c.962A>C, p.Glu321Ala (NM_001293192.2, NM_001293196.2, NM_001407091.1); c.893A>C, p.Glu298Ala (NM_001350650.2, NM_001350651.2, NM_001407082.1); c.1154A>C, p.Glu385Ala (NM_001407075.1); and 5 more; short protein forms E413A, E441A, E385A, E400A, E424A, E427A, E438A, E298A.
Identifiers: ClinVar variation 4113174 (VCV004113174.1).

ClinVar aggregate classification (germline): Uncertain significance (1 of 4 stars; one submission).

Conditions:
Hereditary cancer-predisposing syndrome. Also called: Tumor predisposition; Neoplastic Syndromes, Hereditary; Hereditary neoplastic syndrome; Hereditary Cancer Syndrome. Identifiers: Orphanet 140162, MedGen C0027672, MeSH D009386, MONDO:0015356.

Submission:

Ambry Genetics
Classification: Uncertain significance for Hereditary cancer-predisposing syndrome. Last evaluated: 2025-08-27. Review status: criteria provided, single submitter. Criteria: Ambry Variant Classification Scheme 2023. Collection method: clinical testing. Allele origin: germline.
Comment: The p.E441A variant (also known as c.1322A>C), located in coding exon 13 of the MUTYH gene, results from an A to C substitution at nucleotide position 1322. The glutamic acid at codon 441 is replaced by alanine, an amino acid with dissimilar properties. This amino acid position is conserved. In addition, this alteration is predicted to be tolerated by in silico analysis. Based on the available evidence, the clinical significance of this variant remains unclear.